The following is an entry in ClinVar:

NM_001160372.4(TRAPPC9):c.1165A>G (p.Ser389Gly)

Gene: TRAPPC9 (trafficking protein particle complex subunit 9; minus strand). Cytogenetic location: 8q24.3.
Variant type: single nucleotide variant.
Coding change: c.1165A>G on transcript NM_001160372.4 (MANE Select); coding-DNA position 1165, A replaced by G.
Protein change: p.Ser389Gly; replaces serine 389 with glycine.
Molecular consequence: missense variant. On other transcripts: non-coding transcript variant (1).
Genome position (GRCh38, 1-based): chr8:140,371,150, T>C on the plus strand (A>G on the coding strand, the complement: TRAPPC9 is on the minus strand). VCF-style: chr8-140371150-T-C. GRCh37 (hg19) VCF-style: chr8-141381249-T-C.
Other names: c.1138A>G, p.Ser380Gly (NM_001321646.2); c.1186A>G, p.Ser396Gly (NM_001374682.1); c.1165A>G, p.Ser389Gly (NM_001374683.1, NM_001374684.1, NM_031466.8); short protein forms S389G, S396G, S380G.
Identifiers: ClinVar variation 3631775 (VCV003631775.2).

ClinVar aggregate classification (germline): Uncertain significance (1 of 4 stars; one submission).

Submission:

Labcorp Genetics (formerly Invitae), Labcorp
Classification: Uncertain significance. Last evaluated: 2024-08-08. Review status: criteria provided, single submitter. Criteria: Invitae Variant Classification Sherloc (09022015). Collection method: clinical testing. Allele origin: germline.
Comment: This sequence change replaces serine, which is neutral and polar, with glycine, which is neutral and non-polar, at codon 487 of the TRAPPC9 protein (p.Ser487Gly). This variant is present in population databases (no rsID available, gnomAD 0.003%). This variant has not been reported in the literature in individuals affected with TRAPPC9-related conditions. An algorithm developed to predict the effect of missense changes on protein structure and function (PolyPhen-2) suggests that this variant is likely to be disruptive. In summary, the available evidence is currently insufficient to determine the role of this variant in disease. Therefore, it has been classified as a Variant of Uncertain Significance.